The following is an entry in ClinVar:

NM_001363711.2(DUOX2):c.2894C>T (p.Ser965Leu)

Gene: DUOX2 (dual oxidase 2; minus strand). Cytogenetic location: 15q21.1.
Variant type: single nucleotide variant.
Coding change: c.2894C>T on transcript NM_001363711.2 (MANE Select); coding-DNA position 2894, C replaced by T.
Protein change: p.Ser965Leu; replaces serine 965 with leucine.
Molecular consequence: missense variant.
Genome position (GRCh38, 1-based): chr15:45,101,232, G>A on the plus strand (C>T on the coding strand, the complement: DUOX2 is on the minus strand). VCF-style: chr15-45101232-G-A. GRCh37 (hg19) VCF-style: chr15-45393430-G-A.
Other names: c.2894C>T (NM_014080.4); c.2894C>T, p.Ser965Leu (NM_014080.5); short protein forms S965L.
Identifiers: ClinVar variation 2061288 (VCV002061288.9), dbSNP rs144153950, ClinGen allele CA7538101.

ClinVar aggregate classification (germline): Conflicting classifications of pathogenicity. Review status: criteria provided, conflicting classifications (1 of 4 stars). 6 submissions from 6 submitters: Pathogenic (1); Likely pathogenic (2); Uncertain significance (3). Last evaluated 2026-06-03.

Conditions:
Thyroid dyshormonogenesis 6 (TDH6). Also called: HYPOTHYROIDISM, CONGENITAL, DUE TO DYSHORMONOGENESIS, 6; THYROID HORMONOGENESIS, GENETIC DEFECT IN, 6; Genetic transient congenital hypothyroidism. Identifiers: Orphanet 226316, Orphanet 95716, MedGen C1846632, MONDO:0011792, OMIM 607200.
DUOX2-related disorder. Also called: DUOX2-related condition.

Allele frequency attached by ClinVar (database versions not stated): TOPMed 0.00006; gnomAD exomes 0.00007; gnomAD 0.00009; ExAC 0.00011; ESP Exome Variant Server 0.00015.
gnomAD v4.1: 110 of 1,612,944 alleles (0.0068%); highest among the groups gnomAD compares: East Asian, 0.076%; no homozygotes.

Submissions (6):

Women's Health and Genetics/Laboratory Corporation of America, LabCorp
Classification: Likely pathogenic for Thyroid dyshormonogenesis 6. Last evaluated: 2026-06-03. Review status: criteria provided, single submitter. Criteria: LabCorp Variant Classification Summary - May 2015. Collection method: clinical testing. Allele origin: germline.
Comment: Variant summary: DUOX2 c.2894C>T (p.Ser965Leu) results in a non-conservative amino acid change in the encoded protein sequence. Algorithms developed to predict the effect of missense changes on protein structure and function are either unavailable or do not agree on the potential impact of this missense change. The variant allele was found at a frequency of 7.6e-05 in 249148 control chromosomes (gnomAD). This frequency is not significantly higher than estimated for disease-causing variants in DUOX2, allowing no conclusion about variant significance. c.2894C>T has been observed in individuals affected with congenital hypothyroidism (Jiang_2016, Long_2018, Tanaka_2020, Long_2021, Sun_2021, Uehara_2024, Baz-Redn_2024, Zhang_2025). These data indicate that the variant may be associated with disease. At least two publications report experimental evidence evaluating an impact on protein function and this variant affected DUOX2 protein function (Sun_2021, Uehara_2024). The following publications have been ascertained in the context of this evaluation (PMID: 39126042, 27498126, 30022773, 34539567, 34564849, 32469330, 38757580, 33359885). ClinVar contains an entry for this variant (Variation ID: 2061288). Based on the evidence outlined above, the variant was classified as likely pathogenic.

Labcorp Genetics (formerly Invitae), Labcorp
Classification: Likely pathogenic. Last evaluated: 2025-12-11. Review status: criteria provided, single submitter. Criteria: Invitae Variant Classification Sherloc (09022015). Collection method: clinical testing. Allele origin: germline.
Comment: This sequence change replaces serine, which is neutral and polar, with leucine, which is neutral and non-polar, at codon 965 of the DUOX2 protein (p.Ser965Leu). This variant is present in population databases (rs144153950, gnomAD 0.05%). This missense change has been observed in individual(s) with congenital hypothyroidism and/or DUOX2-related conditions (PMID: 27498126, 30022773, 31044655, 32459320, 32469330, 33631011, 34539567, 38757580, 40916794). In at least one individual the data is consistent with being in trans (on the opposite chromosome) from a pathogenic variant. ClinVar contains an entry for this variant (Variation ID: 2061288). Invitae Evidence Modeling of protein sequence and biophysical properties (such as structural, functional, and spatial information, amino acid conservation, physicochemical variation, residue mobility, and thermodynamic stability) indicates that this missense variant is expected to disrupt DUOX2 protein function with a positive predictive value of 80%. Experimental studies have shown that this missense change affects DUOX2 function (PMID: 34564849, 38757580). In summary, the currently available evidence indicates that the variant is pathogenic, but additional data are needed to prove that conclusively. Therefore, this variant has been classified as Likely Pathogenic.

Blueprint Genetics
Classification: Uncertain significance. Last evaluated: 2024-08-16. Review status: criteria provided, single submitter. Criteria: ACMG Guidelines, 2015. Collection method: clinical testing. Allele origin: germline.

GeneDx
Classification: Uncertain significance. Last evaluated: 2022-12-20. Review status: criteria provided, single submitter. Criteria: GeneDx Variant Classification Process June 2021. Collection method: clinical testing. Allele origin: germline. Affected: yes.
Comment: Identified as a single heterozygous variant in patients with congenital hypothyroidism in published literature (Wang et al., 2021; Long et al., 2018); Identified in patients with congenital hypothyroidism who also harbored additional variant(s) in DOUX2 and/or other genes in published literature (Jiang et al., 2016; Long et al., 2021); In silico analysis supports that this missense variant has a deleterious effect on protein structure/function; This variant is associated with the following publications: (PMID: 30022773, 32459320, 27498126, 34539567, 33631011)

PreventionGenetics, part of Exact Sciences
Classification: Uncertain significance for DUOX2-related condition. Last evaluated: 2022-12-05. Review status: criteria provided, single submitter. Criteria: ACMG Guidelines, 2015. Collection method: clinical testing. Allele origin: germline.
Comment: The DUOX2 c.2894C>T variant is predicted to result in the amino acid substitution p.Ser965Leu. This variant has been reported in association with congenital hypothyroidism (Long et al. 2018. PubMed ID: 30022773; Wang et al. 2021. PubMed ID: 33631011). In addition, this variant, along with other DUOX2 variants and variants in other genes (unknown phase and confirmed compound heterozygous state), has been reported in children with congenital hypothyroidism (Jiang et al. 2016. PubMed ID: 27498126; Patient ID 20, Long et al. 2021. PubMed ID: 34539567). This variant was also identified in an individual participating in a wellness-program and was deemed a variant of unknown physiologic significance (Supplemental Table 1, Grasberger et al. 2021. PubMed ID: 33651715). This variant is reported in 0.045% of alleles in individuals of East Asian descent in gnomAD. While we suspect this variant is pathogenic, at this time, the clinical significance of this variant is uncertain due to the absence of conclusive functional and genetic evidence.

Juno Genomics, Hangzhou Juno Genomics, Inc
Classification: Pathogenic for Thyroid dyshormonogenesis 6. Review status: criteria provided, single submitter. Criteria: ACMG Guidelines, 2015. Collection method: clinical testing. Allele origin: germline.
Comment: Absent from controls (or at extremely low frequency if recessive) in Genome Aggregation Database.;For recessive disorders, detected in trans with a pathogenic variant.;Well-established in vitro or in vivo functional studies supportive of a damaging effect on the gene or gene product.

Literature cited by the submitters: PubMed 30022773 (cited by Women's Health and Genetics/Laboratory Corporation of America, LabCorp and Labcorp Genetics (formerly Invitae), Labcorp); PubMed 34539567 (cited by Women's Health and Genetics/Laboratory Corporation of America, LabCorp and Labcorp Genetics (formerly Invitae), Labcorp); PubMed 34564849 (cited by Women's Health and Genetics/Laboratory Corporation of America, LabCorp and Labcorp Genetics (formerly Invitae), Labcorp); PubMed 32469330 (cited by Women's Health and Genetics/Laboratory Corporation of America, LabCorp and Labcorp Genetics (formerly Invitae), Labcorp); PubMed 39126042 (cited by Women's Health and Genetics/Laboratory Corporation of America, LabCorp); PubMed 27498126 (cited by Women's Health and Genetics/Laboratory Corporation of America, LabCorp and Labcorp Genetics (formerly Invitae), Labcorp); PubMed 38757580 (cited by Women's Health and Genetics/Laboratory Corporation of America, LabCorp and Labcorp Genetics (formerly Invitae), Labcorp); PubMed 33359885 (cited by Women's Health and Genetics/Laboratory Corporation of America, LabCorp); PubMed 31044655 (cited by Labcorp Genetics (formerly Invitae), Labcorp); PubMed 32459320 (cited by Labcorp Genetics (formerly Invitae), Labcorp); PubMed 33631011 (cited by Labcorp Genetics (formerly Invitae), Labcorp); PubMed 40916794 (cited by Labcorp Genetics (formerly Invitae), Labcorp).